The following is an entry in ClinVar:

NM_001374736.1(DST):c.21995-15G>A

Gene: DST (dystonin; minus strand). Cytogenetic location: 6p12.1.
Variant type: single nucleotide variant.
Coding change: c.21995-15G>A on transcript NM_001374736.1 (MANE Select); 15 bases into the intron before coding-DNA position 21995, G replaced by A.
Molecular consequence: intron variant.
Genome position (GRCh38, 1-based): chr6:56,472,237, C>T on the plus strand (G>A on the coding strand, the complement: DST is on the minus strand). VCF-style: chr6-56472237-C-T. GRCh37 (hg19) VCF-style: chr6-56337035-C-T.
Other names: c.15638-15G>A (NM_001144769.5); c.21995-15G>A (NM_001374722.1); c.22022-15G>A (NM_001374734.1); c.15224-15G>A (NM_001144770.2); c.14777-15G>A (NM_001374730.1); c.15104-15G>A (NM_001386100.1, NM_183380.4); c.21035-15G>A (NM_001374729.1); c.14126-15G>A (NM_015548.5).
Identifiers: ClinVar variation 4787604 (VCV004787604.1).

ClinVar aggregate classification (germline): Uncertain significance (1 of 4 stars; one submission).

Conditions:
Epidermolysis bullosa simplex 3, localized or generalized intermediate, with BP230 deficiency (EBS3). Also called: Epidermolysis bullosa simplex, autosomal recessive 2; Epidermolysis bullosa simplex due to BP230 deficiency. Identifiers: Orphanet 412181, MedGen C3809470, MONDO:0014180, OMIM 615425.
Hereditary sensory and autonomic neuropathy type 6. Also called: HSAN VI; Neuropathy, hereditary sensory and autonomic, type VI. Identifiers: Orphanet 314381, MedGen C3539003, MONDO:0013839, OMIM 614653.

Submission:

Labcorp Genetics (formerly Invitae), Labcorp
Classification: Uncertain significance for Epidermolysis bullosa simplex 3, localized or generalized intermediate, with BP230 deficiency; Hereditary sensory and autonomic neuropathy type 6. Last evaluated: 2025-08-24. Review status: criteria provided, single submitter. Criteria: Invitae Variant Classification Sherloc (09022015). Collection method: clinical testing. Allele origin: germline.
Comment: The DST gene has multiple clinically relevant transcripts. This variant occurs in alternate transcript NM_015548.4, and corresponds to NM_001723.5:c.*143280G>A in the primary transcript. This sequence change falls in intron 74 of the DST gene. It does not directly change the encoded amino acid sequence of the DST protein. This variant is not present in population databases (gnomAD no frequency). This variant has not been reported in the literature in individuals affected with DST-related conditions. Experimental studies and prediction algorithms are not available or were not evaluated, and the effect of this variant on mRNA splicing is currently unknown. In summary, the available evidence is currently insufficient to determine the role of this variant in disease. Therefore, it has been classified as a Variant of Uncertain Significance.